The following is an entry in ClinVar:

ClinVar aggregate classification (germline): Uncertain significance. Review status: criteria provided, multiple submitters, no conflicts (2 of 4 stars). 3 submissions from 3 submitters: Uncertain significance (3). Last evaluated 2025-03-18.

Conditions:
Inborn genetic diseases. Identifiers: MedGen C0950123, MeSH D030342.
Fanconi anemia (FA). Also called: Fanconi's anemia. Identifiers: Orphanet 84, MedGen C0015625, MeSH D005199, MONDO:0019391.

Allele frequency attached by ClinVar (database versions not stated): gnomAD 0.00001; 1000 Genomes Project 30x 0.00016; 1000 Genomes Project 0.00020.
gnomAD v4.1: 1 of 1,608,930 alleles (0.000062%); highest among the groups gnomAD compares: African/African-American, 0.0013%; no homozygotes.

Submissions (3):

Ambry Genetics
Classification: Uncertain significance for Inborn genetic diseases. Last evaluated: 2025-03-18. Review status: criteria provided, single submitter. Criteria: Ambry Variant Classification Scheme 2023. Collection method: clinical testing. Allele origin: germline.
Comment: The p.A908V variant (also known as c.2723C>T), located in coding exon 14 of the FANCM gene, results from a C to T substitution at nucleotide position 2723. The alanine at codon 908 is replaced by valine, an amino acid with similar properties. This amino acid position is conserved. In addition, this alteration is predicted to be tolerated by in silico analysis. Based on the available evidence, the clinical significance of this variant remains unclear.

GeneDx
Classification: Uncertain significance. Last evaluated: 2023-12-26. Review status: criteria provided, single submitter. Criteria: GeneDx Variant Classification Process June 2021. Collection method: clinical testing. Allele origin: germline. Affected: yes.
Comment: Not observed at significant frequency in large population cohorts (gnomAD); In silico analysis supports that this missense variant does not alter protein structure/function; Has not been previously published as pathogenic or benign to our knowledge

Labcorp Genetics (formerly Invitae), Labcorp
Classification: Uncertain significance for Fanconi anemia. Last evaluated: 2018-11-14. Review status: criteria provided, single submitter. Criteria: Invitae Variant Classification Sherloc (09022015). Collection method: clinical testing. Allele origin: germline.
Comment: Algorithms developed to predict the effect of missense changes on protein structure and function output the following: SIFT: "Tolerated"; PolyPhen-2: "Benign"; Align-GVGD: "Class C0". The valine amino acid residue is found in multiple mammalian species, suggesting that this missense change does not adversely affect protein function. These predictions have not been confirmed by published functional studies and their clinical significance is uncertain. In summary, the available evidence is currently insufficient to determine the role of this variant in disease. Therefore, it has been classified as a Variant of Uncertain Significance. This variant has not been reported in the literature in individuals with FANCM-related disease. This sequence change replaces alanine with valine at codon 908 of the FANCM protein (p.Ala908Val). The alanine residue is weakly conserved and there is a small physicochemical difference between alanine and valine. This variant is present in population databases (rs201464936, ExAC 0.01%).

NM_020937.4(FANCM):c.2723C>T (p.Ala908Val)

Gene: FANCM (FA complementation group M; plus strand). Cytogenetic location: 14q21.2.
Variant type: single nucleotide variant.
Coding change: c.2723C>T on transcript NM_020937.4 (MANE Select); coding-DNA position 2723, C replaced by T.
Protein change: p.Ala908Val; replaces alanine 908 with valine.
Molecular consequence: missense variant.
Genome position (GRCh38, 1-based): chr14:45,175,477, C>T. VCF-style: chr14-45175477-C-T. GRCh37 (hg19) VCF-style: chr14-45644680-C-T.
Other names: c.2723C>T (LRG_502t1); c.2645C>T, p.Ala882Val (NM_001308133.2); short protein forms A908V, A882V.
Identifiers: ClinVar variation 643184 (VCV000643184.11), dbSNP rs201464936, ClinGen allele CA7169397.
Genomic context (GRCh38, chr14:45,175,477, plus strand): 5'-ATATTTTTCAAGAAGACCTACCAAATGATAAAAGGACATCAGATACAGATGAAATTGCTG[C>T]CACATGTACTATTAATGAAAATGTTATTAAAGAACCGTGTGTGTTATTAACAGAGTGTCA-3'
Protein context (NP_065988.1, residues 898-918): KRTSDTDEIA[Ala908Val]TCTINENVIK